The following is an entry in ClinVar:

ClinVar aggregate classification (germline): Uncertain significance. Review status: criteria provided, multiple submitters, no conflicts (2 of 4 stars). 3 submissions from 3 submitters: Uncertain significance (3). Last evaluated 2025-06-18.

Conditions:
Congenital myopathy with fiber type disproportion. Also called: Congenital fiber-type disproportion myopathy; Congenital fiber-type disproportion. Identifiers: Orphanet 2020, MedGen C0546264, MONDO:0009711. Inheritance: all.
Malignant hyperthermia, susceptibility to, 1 (MHS1). Also called: Anesthesia related hyperthermia; Malignant hyperpyrexia; Fulminating hyperpyrexia; Pharmacogenic myopathy; Malignant hyperthermia suceptibility 1; RYR1-Related Malignant Hyperthermia Susceptibility. Identifiers: Orphanet 423, MedGen C2930980, MONDO:0007783, OMIM 145600.

Allele frequency attached by ClinVar (database versions not stated): gnomAD 0.00001; TOPMed 0.00001.
gnomAD v4.1: 9 of 1,613,514 alleles (0.00056%); highest among the groups gnomAD compares: African/African-American, 0.0013%; no homozygotes.

Submissions (3):

Color Diagnostics, LLC DBA Color Health
Classification: Uncertain significance for Malignant hyperthermia, susceptibility to, 1. Last evaluated: 2025-06-18. Review status: criteria provided, single submitter. Criteria: ACMG Guidelines, 2015. Collection method: clinical testing. Allele origin: germline.
Comment: This missense variant replaces arginine with glutamine at codon 2840 of the RYR1 protein. Computational prediction suggests that this variant may not impact protein structure and function. To our knowledge, functional studies have not been reported for this variant. This variant has not been identified in the general population by the Genome Aggregation Database (gnomAD). The available evidence is insufficient to determine the role of this variant in disease conclusively. Therefore, this variant is classified as a Variant of Uncertain Significance.

All of Us Research Program, National Institutes of Health
Classification: Uncertain significance for Malignant hyperthermia, susceptibility to, 1. Last evaluated: 2024-02-05. Review status: criteria provided, single submitter. Criteria: ACMG Guidelines, 2015. Collection method: clinical testing. Allele origin: germline. Inheritance: Autosomal dominant inheritance. Observed: 4 variant alleles, 4 heterozygotes.
Comment: This missense variant replaces arginine with glutamine at codon 2840 of the RYR1 protein. Computational prediction suggests that this variant may not impact protein structure and function (internally defined REVEL score threshold <= 0.5, PMID: 27666373). To our knowledge, functional studies have not been reported for this variant. This variant has not been identified in the general population by the Genome Aggregation Database (gnomAD). The available evidence is insufficient to determine the role of this variant in disease conclusively. Therefore, this variant is classified as a Variant of Uncertain Significance.

This study involves interpretation of variants in research participants for the purpose of population health screening. Participant phenotype was not available at the time of variant classification. Additional details can be found in publication PMID: 35346344, PMCID: PMC8962531

Centre for Mendelian Genomics, University Medical Centre Ljubljana
Classification: Uncertain significance for Congenital myopathy 4A, autosomal dominant. Last evaluated: 2020-04-02. Review status: criteria provided, single submitter. Criteria: ACMG Guidelines, 2015. Collection method: clinical testing. Allele origin: unknown. Affected: yes.
Comment: This variant was classified as: Uncertain significance. The available evidence favors the pathogenic nature of this variant, however the currently available data is insufficient to conclusively support its pathogenic nature. Thus this variant is classified as Uncertain significance - favor pathogenic. The following ACMG criteria were applied in classifying this variant: PM2,PP3.

Literature cited by the submitters: PubMed 35178478 (cited by Color Diagnostics, LLC DBA Color Health and All of Us Research Program, National Institutes of Health).

NM_000540.3(RYR1):c.8519G>A (p.Arg2840Gln)

Genes: RYR1 (ryanodine receptor 1; plus strand), LOC126862902 (BRD4-independent group 4 enhancer GRCh37_chr19:38995830-38997029; plus strand). Cytogenetic location: 19q13.2.
Variant type: single nucleotide variant.
Coding change: c.8519G>A on transcript NM_000540.3 (MANE Select); coding-DNA position 8519, G replaced by A.
Protein change: p.Arg2840Gln; replaces arginine 2840 with glutamine.
Molecular consequence: missense variant.
Genome position (GRCh38, 1-based): chr19:38,505,924, G>A. VCF-style: chr19-38505924-G-A. GRCh37 (hg19) VCF-style: chr19-38996564-G-A.
Other names: c.8519G>A, p.Arg2840Gln (NM_001042723.2); short protein forms R2840Q.
Identifiers: ClinVar variation 931336 (VCV000931336.5), dbSNP rs923436076, ClinGen allele CA308117632.